The following is an entry in ClinVar:

NM_025137.4(SPG11):c.4768del (p.His1590fs)

Gene: SPG11 (SPG11 vesicle trafficking associated, spatacsin; minus strand). Cytogenetic location: 15q21.1.
Variant type: Deletion.
Coding change: c.4768del on transcript NM_025137.4 (MANE Select); coding-DNA position 4768, one base deleted (C; older notation c.4768delC).
Protein change: p.His1590fs; shifts the reading frame from histidine 1590.
Molecular consequence: frameshift variant.
Genome position (GRCh38, 1-based): chr15:44,589,390, G deleted on the plus strand (C on the coding strand, the reverse complement: SPG11 is on the minus strand); the first of 2 consecutive G bases (chr15:44,589,390-44,589,391); deleting either gives the same sequence. VCF-style (leftmost placement, unchanged base first): chr15-44589389-TG-T. GRCh37 (hg19) VCF-style: chr15-44881587-TG-T.
Other names: c.4768del, p.His1590fs (NM_001160227.2, NM_001411132.1); short protein forms H1590fs.
Identifiers: ClinVar variation 2858124 (VCV002858124.3), dbSNP rs2505325601, ClinGen allele CA2739279544.

ClinVar aggregate classification (germline): Pathogenic (1 of 4 stars; one submission).

Conditions:
Hereditary spastic paraplegia 11. Also called: SPASTIC PARAPLEGIA, AUTOSOMAL RECESSIVE, COMPLICATED, WITH THIN CORPUS CALLOSUM; SPASTIC PARAPLEGIA, AUTOSOMAL RECESSIVE, WITH MENTAL IMPAIRMENT AND THIN CORPUS CALLOSUM; Nakamura Osame syndrome; Autosomal recessive hereditary spastic paraplegia, mental impairment, and thin corpus callosum; Spastic paraplegia, mental retardation and thin corpus callosum; Spastic Paraplegia 11. Identifiers: Orphanet 2822, MedGen C1858479, MONDO:0011445, OMIM 604360.

Submission:

Labcorp Genetics (formerly Invitae), Labcorp
Classification: Pathogenic for Hereditary spastic paraplegia 11. Last evaluated: 2023-04-22. Review status: criteria provided, single submitter. Criteria: Invitae Variant Classification Sherloc (09022015). Collection method: clinical testing. Allele origin: germline.
Comment: This variant is not present in population databases (gnomAD no frequency). This sequence change creates a premature translational stop signal (p.His1590Thrfs*17) in the SPG11 gene. It is expected to result in an absent or disrupted protein product. Loss-of-function variants in SPG11 are known to be pathogenic (PMID: 19105190, 20110243, 22154821, 26556829). This variant has not been reported in the literature in individuals affected with SPG11-related conditions. For these reasons, this variant has been classified as Pathogenic.

Literature cited by the submitters: PubMed 19105190; PubMed 20110243; PubMed 22154821; PubMed 26556829.